The following is an entry in ClinVar:

NM_015692.5(CPAMD8):c.5521G>A (p.Ala1841Thr)

Gene: CPAMD8 (C3 and PZP like alpha-2-macroglobulin domain containing 8; minus strand). Cytogenetic location: 19p13.11.
Variant type: single nucleotide variant.
Coding change: c.5521G>A on transcript NM_015692.5 (MANE Select); coding-DNA position 5521, G replaced by A.
Protein change: p.Ala1841Thr; replaces alanine 1841 with threonine.
Molecular consequence: missense variant. On other transcripts: non-coding transcript variant (1).
Genome position (GRCh38, 1-based): chr19:16,893,245, C>T on the plus strand (G>A on the coding strand, the complement: CPAMD8 is on the minus strand). VCF-style: chr19-16893245-C-T. GRCh37 (hg19) VCF-style: chr19-17004056-C-T.
Other names: short protein forms A1841T.
Identifiers: ClinVar variation 2501325 (VCV002501325.1), dbSNP rs2051829929, ClinGen allele CA404652244.

ClinVar aggregate classification (germline): Uncertain significance (1 of 4 stars; one submission).

Submission:

GeneDx
Classification: Uncertain significance. Last evaluated: 2022-11-02. Review status: criteria provided, single submitter. Criteria: GeneDx Variant Classification Process June 2021. Collection method: clinical testing. Allele origin: germline. Affected: yes.
Comment: Not observed at significant frequency in large population cohorts (gnomAD); In silico analysis supports that this missense variant does not alter protein structure/function; Has not been previously published as pathogenic or benign to our knowledge